The following is an entry in ClinVar:

NM_198510.3(ITIH6):c.2188C>T (p.Pro730Ser)

Gene: ITIH6 (inter-alpha-trypsin inhibitor heavy chain family member 6; minus strand). Cytogenetic location: Xp11.22.
Variant type: single nucleotide variant.
Coding change: c.2188C>T on transcript NM_198510.3 (MANE Select); coding-DNA position 2188, C replaced by T.
Protein change: p.Pro730Ser; replaces proline 730 with serine.
Molecular consequence: missense variant.
Genome position (GRCh38, 1-based): chrX:54,757,886, G>A on the plus strand (C>T on the coding strand, the complement: ITIH6 is on the minus strand). VCF-style: chrX-54757886-G-A. GRCh37 (hg19) VCF-style: chrX-54784319-G-A.
Other names: short protein forms P730S.
Identifiers: ClinVar variation 2628712 (VCV002628712.1), dbSNP rs141873663, ClinGen allele CA10426165.

ClinVar aggregate classification (germline): Uncertain significance (1 of 4 stars; one submission).

Conditions:
ITIH6-related disorder. Also called: ITIH6-related condition.

Allele frequency attached by ClinVar (database versions not stated): ExAC 0.00001; gnomAD exomes 0.00001; TOPMed 0.00001; gnomAD 0.00002; ESP Exome Variant Server 0.00009.
gnomAD v4.1: 9 of 1,209,463 alleles (0.00074%); highest among the groups gnomAD compares: East Asian, 0.003%; no homozygotes.

Submission:

PreventionGenetics, part of Exact Sciences
Classification: Uncertain significance for ITIH6-related condition. Last evaluated: 2023-06-25. Review status: criteria provided, single submitter. Criteria: ACMG Guidelines, 2015. Collection method: clinical testing. Allele origin: germline.
Comment: The ITIH6 c.2188C>T variant is predicted to result in the amino acid substitution p.Pro730Ser. To our knowledge, this variant has not been reported in the literature. This variant is reported in 0.0012% of alleles in individuals of European (Non-Finnish) descent in gnomAD. At this time, the clinical significance of this variant is uncertain due to the absence of conclusive functional and genetic evidence.